The following is an entry in ClinVar:

ClinVar aggregate classification (germline): Benign/Likely benign. Review status: criteria provided, multiple submitters, no conflicts (2 of 4 stars). 3 submissions from 3 submitters: Benign (1); Likely benign (1). 1 of the submissions does not count toward it. Last evaluated 2025-10-01.

Conditions:
KMT2C-related disorder. Also called: KMT2C-related condition; KMT2C-related disorders.

Allele frequency attached by ClinVar (database versions not stated): gnomAD exomes 0.00007 and 0.00006; TOPMed 0.00008; ExAC 0.00007; gnomAD 0.00009.
gnomAD v4.1: 107 of 1,613,992 alleles (0.0066%); highest among the groups gnomAD compares: Middle Eastern, 0.016%; no homozygotes.

Submissions (3):

Labcorp Genetics (formerly Invitae), Labcorp
Classification: Benign. Last evaluated: 2025-10-01. Review status: criteria provided, single submitter. Criteria: Invitae Variant Classification Sherloc (09022015). Collection method: clinical testing. Allele origin: germline.

Laboratorio de Genetica e Diagnostico Molecular, Hospital Israelita Albert Einstein
Classification: Likely benign. Last evaluated: 2020-07-01. Review status: criteria provided, single submitter. Criteria: ACMG Guidelines, 2015. Collection method: clinical testing. Allele origin: germline. Affected: yes.
Comment: ACMG classification criteria: BS2, BP4

PreventionGenetics, part of Exact Sciences
Classification: Likely benign for KMT2C-related condition. Last evaluated: 2023-11-14. Review status: no assertion criteria provided. Collection method: clinical testing. Allele origin: germline. Not counted in ClinVar's aggregate classification.
Comment: This variant is classified as likely benign based on ACMG/AMP sequence variant interpretation guidelines (Richards et al. 2015 PMID: 25741868, with internal and published modifications).

NM_170606.3(KMT2C):c.6910A>G (p.Met2304Val)

Gene: KMT2C (lysine methyltransferase 2C; minus strand). Cytogenetic location: 7q36.1.
Variant type: single nucleotide variant.
Coding change: c.6910A>G on transcript NM_170606.3 (MANE Select); coding-DNA position 6910, A replaced by G.
Protein change: p.Met2304Val; replaces methionine 2304 with valine.
Molecular consequence: missense variant.
Genome position (GRCh38, 1-based): chr7:152,180,950, T>C on the plus strand (A>G on the coding strand, the complement: KMT2C is on the minus strand). VCF-style: chr7-152180950-T-C. GRCh37 (hg19) VCF-style: chr7-151878035-T-C.
Other names: c.6910A>G (NM_170606.2); short protein forms M2304V.
Identifiers: ClinVar variation 1690908 (VCV001690908.7), dbSNP rs754015217, ClinGen allele CA4579985.